The following is an entry in ClinVar:

ClinVar aggregate classification (germline): Likely pathogenic. Review status: criteria provided, multiple submitters, no conflicts (2 of 4 stars). 2 submissions from 2 submitters: Likely pathogenic (2). Last evaluated 2021-11-04.

Conditions:
Fanconi anemia (FA). Also called: Fanconi's anemia. Identifiers: Orphanet 84, MedGen C0015625, MeSH D005199, MONDO:0019391.
Fanconi anemia complementation group D2. Also called: FANCD2-Related Fanconi Anemia; FANCONI PANCYTOPENIA, TYPE 4; FANCONI ANEMIA, COMPLEMENTATION GROUP D. Identifiers: Orphanet 84, MedGen C3160738, MONDO:0009214, OMIM 227646.

Allele frequency attached by ClinVar (database versions not stated): gnomAD exomes below 0.00001.
gnomAD v4.1: 2 of 1,606,786 alleles (0.00012%); highest among the groups gnomAD compares: Non-Finnish European, 0.00017%; no homozygotes.

Submissions (2):

Baylor Genetics
Classification: Likely pathogenic for Fanconi anemia complementation group D2. Last evaluated: 2021-11-04. Review status: criteria provided, single submitter. Criteria: ACMG Guidelines, 2015. Collection method: clinical testing. Allele origin: unknown.

Labcorp Genetics (formerly Invitae), Labcorp
Classification: Likely pathogenic for Fanconi anemia. Last evaluated: 2021-03-11. Review status: criteria provided, single submitter. Criteria: Invitae Variant Classification Sherloc (09022015). Collection method: clinical testing. Allele origin: germline.
Comment: This sequence change affects an acceptor splice site in intron 23 of the FANCD2 gene. It is expected to disrupt RNA splicing. Variants that disrupt the donor or acceptor splice site typically lead to a loss of protein function (PMID: 16199547), and loss-of-function variants in FANCD2 are known to be pathogenic (PMID: 17436244). This variant is not present in population databases (ExAC no frequency). This variant has not been reported in the literature in individuals with FANCD2-related conditions. Algorithms developed to predict the effect of sequence changes on RNA splicing suggest that this variant may disrupt the consensus splice site, but this prediction has not been confirmed by published transcriptional studies. In summary, the currently available evidence indicates that the variant is pathogenic, but additional data are needed to prove that conclusively. Therefore, this variant has been classified as Likely Pathogenic.

Literature cited by the submitters: PubMed 16199547 (cited by Labcorp Genetics (formerly Invitae), Labcorp); PubMed 17436244 (cited by Labcorp Genetics (formerly Invitae), Labcorp).

NM_001018115.3(FANCD2):c.2169-1G>C

Genes: FANCD2 (FA complementation group D2; plus strand), LOC107303338 (3p25 FANCD2 Alu-mediated recombination region; plus strand). Cytogenetic location: 3p25.3.
Variant type: single nucleotide variant.
Coding change: c.2169-1G>C on transcript NM_001018115.3 (MANE Select); the canonical splice acceptor site of the intron before coding-DNA position 2169, G replaced by C.
Molecular consequence: splice acceptor variant.
Genome position (GRCh38, 1-based): chr3:10,065,393, G>C. VCF-style: chr3-10065393-G-C. GRCh37 (hg19) VCF-style: chr3-10107077-G-C.
Other names: c.2169-1G>C (NM_001319984.2, NM_033084.6, NM_001374254.1); c.2058-1G>C (NM_001374253.1).
Identifiers: ClinVar variation 1499355 (VCV001499355.9), dbSNP rs141783465, ClinGen allele CA351734242.